The following is an entry in ClinVar:

NM_003816.3(ADAM9):c.1274G>A (p.Gly425Glu)

Gene: ADAM9 (ADAM metallopeptidase domain 9; plus strand). Cytogenetic location: 8p11.22.
Variant type: single nucleotide variant.
Coding change: c.1274G>A on transcript NM_003816.3 (MANE Select); coding-DNA position 1274, G replaced by A.
Protein change: p.Gly425Glu; replaces glycine 425 with glutamic acid.
Molecular consequence: missense variant. On other transcripts: non-coding transcript variant (3).
Genome position (GRCh38, 1-based): chr8:39,042,089, G>A. VCF-style: chr8-39042089-G-A. GRCh37 (hg19) VCF-style: chr8-38899608-G-A.
Other names: short protein forms G425E.
Identifiers: ClinVar variation 1436041 (VCV001436041.6), dbSNP rs764548191, ClinGen allele CA4721565.

ClinVar aggregate classification (germline): Uncertain significance. Review status: criteria provided, multiple submitters, no conflicts (2 of 4 stars). 2 submissions from 2 submitters: Uncertain significance (2). Last evaluated 2022-02-02.

Allele frequency attached by ClinVar (database versions not stated): ExAC 0.00001; gnomAD 0.00001; gnomAD exomes 0.00001; TOPMed 0.00001.
gnomAD v4.1: 25 of 1,613,866 alleles (0.0015%); highest among the groups gnomAD compares: African/African-American, 0.0027%; no homozygotes.

Submissions (2):

Labcorp Genetics (formerly Invitae), Labcorp
Classification: Uncertain significance. Last evaluated: 2022-02-02. Review status: criteria provided, single submitter. Criteria: Invitae Variant Classification Sherloc (09022015). Collection method: clinical testing. Allele origin: germline.
Comment: This sequence change replaces glycine, which is neutral and non-polar, with glutamic acid, which is acidic and polar, at codon 425 of the ADAM9 protein (p.Gly425Glu). This variant is present in population databases (rs764548191, gnomAD 0.008%). This variant has not been reported in the literature in individuals affected with ADAM9-related conditions. Algorithms developed to predict the effect of missense changes on protein structure and function are either unavailable or do not agree on the potential impact of this missense change (SIFT: "Deleterious"; PolyPhen-2: "Benign"; Align-GVGD: "Class C65"). In summary, the available evidence is currently insufficient to determine the role of this variant in disease. Therefore, it has been classified as a Variant of Uncertain Significance.

Blueprint Genetics
Classification: Uncertain significance. Last evaluated: 2021-12-16. Review status: criteria provided, single submitter. Criteria: ACMG Guidelines, 2015. Collection method: clinical testing. Allele origin: germline.